The following is an entry in ClinVar:

NM_006648.4(WNK2):c.5870G>T (p.Gly1957Val)

Gene: WNK2 (WNK lysine deficient protein kinase 2; plus strand). Cytogenetic location: 9q22.31.
Variant type: single nucleotide variant.
Coding change: c.5870G>T on transcript NM_006648.4 (MANE Select); coding-DNA position 5870, G replaced by T.
Protein change: p.Gly1957Val; replaces glycine 1957 with valine.
Molecular consequence: missense variant.
Genome position (GRCh38, 1-based): chr9:93,298,014, G>T. VCF-style: chr9-93298014-G-T. GRCh37 (hg19) VCF-style: chr9-96060296-G-T.
Other names: c.5981G>T, p.Gly1994Val (NM_001282394.3); short protein forms G1957V, G1994V.
Identifiers: ClinVar variation 3817205 (VCV003817205.1).

ClinVar aggregate classification (germline): Uncertain significance (1 of 4 stars; one submission).

Submission:

Ambry Genetics
Classification: Uncertain significance. Last evaluated: 2025-03-03. Review status: criteria provided, single submitter. Criteria: Ambry Variant Classification Scheme 2023. Collection method: clinical testing. Allele origin: germline.
Comment: The p.G1957V variant (also known as c.5870G>T), located in coding exon 23 of the WNK2 gene, results from a G to T substitution at nucleotide position 5870. The glycine at codon 1957 is replaced by valine, an amino acid with dissimilar properties. This amino acid position is conserved. In addition, the in silico prediction for this alteration is inconclusive. Based on the available evidence, the clinical significance of this variant remains unclear.